The following is an entry in ClinVar:

NM_005228.5(EGFR):c.1537G>T (p.Glu513Ter)

Gene: EGFR (epidermal growth factor receptor; plus strand). Cytogenetic location: 7p11.2.
Variant type: single nucleotide variant.
Coding change: c.1537G>T on transcript NM_005228.5 (MANE Select); coding-DNA position 1537, G replaced by T.
Protein change: p.Glu513Ter; replaces glutamic acid 513 with a stop codon.
Molecular consequence: nonsense.
Genome position (GRCh38, 1-based): chr7:55,161,537, G>T. VCF-style: chr7-55161537-G-T. GRCh37 (hg19) VCF-style: chr7-55229230-G-T.
Other names: c.1402G>T, p.Glu468Ter (NM_001346897.2, NM_001346899.2); c.1537G>T, p.Glu513Ter (NM_001346898.2, NM_201282.2, NM_201284.2); c.1378G>T, p.Glu460Ter (NM_001346900.2); c.736G>T, p.Glu246Ter (NM_001346941.2); short protein forms E513*, E468*, E246*, E460*.
Identifiers: ClinVar variation 966145 (VCV000966145.8), dbSNP rs754646330, ClinGen allele CA4265610.
Genomic context (GRCh38, chr7:55,161,537, plus strand): 5'-GTGACCCACTCTGTCTCCGCAGAGGCCACAGGCCAGGTCTGCCATGCCTTGTGCTCCCCC[G>T]AGGGCTGCTGGGGCCCGGAGCCCAGGGACTGCGTCTCTTGCCGGAATGTCAGCCGAGGCA-3'

ClinVar aggregate classification (germline): Conflicting classifications of pathogenicity. Review status: criteria provided, conflicting classifications (1 of 4 stars). 2 submissions from 2 submitters: Pathogenic (1); Uncertain significance (1). Last evaluated 2025-04-02.

Conditions:
Hereditary cancer-predisposing syndrome. Also called: Hereditary neoplastic syndrome; Neoplastic Syndromes, Hereditary; Hereditary Cancer Syndrome; Tumor predisposition. Identifiers: Orphanet 140162, MedGen C0027672, MeSH D009386, MONDO:0015356.
EGFR-related lung cancer (EGFR). Identifiers: MedGen CN130014.

gnomAD v4.1: 3 of 1,614,248 alleles (0.00019%); highest among the groups gnomAD compares: Non-Finnish European, 0.00025%; no homozygotes.

Submissions (2):

Ambry Genetics
Classification: Uncertain significance for Hereditary cancer-predisposing syndrome. Last evaluated: 2025-04-02. Review status: criteria provided, single submitter. Criteria: Ambry Variant Classification Scheme 2023. Collection method: clinical testing. Allele origin: germline.
Comment: The p.E513* variant (also known as c.1537G>T), located in coding exon 13 of the EGFR gene, results from a G to T substitution at nucleotide position 1537. This changes the amino acid from a glutamic acid to a stop codon within coding exon 13. This alteration is expected to result in loss of function by premature protein truncation or nonsense-mediated mRNA decay. Loss-of-function variants subject to nonsense mediated decay (NMD) in EGFR are known to cause EGFR-related neonatal inflammatory skin and bowel disease; however, such associations with EGFR-related lung cancer have not been reported. Based on the supporting evidence, this alteration is pathogenic for EGFR-related neonatal inflammatory skin and bowel disease; however, the association of this alteration with EGFR-related lung cancer is unknown.

Labcorp Genetics (formerly Invitae), Labcorp
Classification: Pathogenic for EGFR-related lung cancer. Last evaluated: 2025-01-29. Review status: criteria provided, single submitter. Criteria: Invitae Variant Classification Sherloc (09022015). Collection method: clinical testing. Allele origin: germline.
Comment: This sequence change creates a premature translational stop signal (p.Glu513*) in the EGFR gene. It is expected to result in an absent or disrupted protein product. Loss-of-function variants in EGFR are known to be pathogenic (PMID: 7630400, 28726809, 29899996). This variant is present in population databases (rs754646330, gnomAD 0.0009%). This variant has not been reported in the literature in individuals affected with EGFR-related conditions. ClinVar contains an entry for this variant (Variation ID: 966145). Algorithms developed to predict the effect of sequence changes on RNA splicing suggest that this variant may disrupt the consensus splice site. For these reasons, this variant has been classified as Pathogenic.

Literature cited by the submitters: PubMed 7630400 (cited by Labcorp Genetics (formerly Invitae), Labcorp); PubMed 28726809 (cited by Labcorp Genetics (formerly Invitae), Labcorp); PubMed 29899996 (cited by Labcorp Genetics (formerly Invitae), Labcorp).